The following is an entry in ClinVar:

ClinVar aggregate classification (germline): Conflicting classifications of pathogenicity. Review status: criteria provided, conflicting classifications (1 of 4 stars). 2 submissions from 2 submitters: Uncertain significance (1); Likely benign (1). Last evaluated 2026-01-28.

Conditions:
Mitochondrial DNA depletion syndrome 13. Also called: FBXL4-Related Encephalomyopathic Mitochondrial DNA Depletion Syndrome; Mitochondrial DNA depletion syndrome 13 (encephalomyopathic type). Identifiers: Orphanet 369897, MedGen C3809592, MONDO:0014198, OMIM 615471.

Allele frequency attached by ClinVar (database versions not stated): TOPMed 0.00013; gnomAD 0.00019.
gnomAD v4.1: 161 of 1,607,430 alleles (0.01%); highest among the groups gnomAD compares: Admixed American, 0.019%; 1 homozygote.

Submissions (2):

Labcorp Genetics (formerly Invitae), Labcorp
Classification: Likely benign. Last evaluated: 2026-01-28. Review status: criteria provided, single submitter. Criteria: Invitae Variant Classification Sherloc (09022015). Collection method: clinical testing. Allele origin: germline.

Wong Mito Lab, Molecular and Human Genetics, Baylor College of Medicine
Classification: Uncertain significance for Mitochondrial DNA depletion syndrome 13. Last evaluated: 2017-08-10. Review status: criteria provided, single submitter. Criteria: ACMG Guidelines, 2015. Collection method: reference population. Allele origin: germline.
Comment: The NM_012160.4:c.1723G>T (NP_036292.2:p.Ala575Ser) [GRCH38: NC_000006.12:g.98874421C>A] variant in FBXL4 gene is interpretated to be a Uncertain Significance - Conflicting Evidence based on ACMG guidelines (PMID: 25741868). This variant meets one or more of the following evidence codes reported in the ACMG-guideline. PM2:This variant is absent in key population databases. BP4:Computational evidence/predictors indicate no impact on the FBXL4 structure, function, or protein-protein interaction. Based on this evidence code ClinGen Pathogenicity Calculator (PMID:28081714) suggested that the variant is Uncertain Significance - Conflicting Evidence.

NM_001278716.2(FBXL4):c.1723G>T (p.Ala575Ser)

Gene: FBXL4 (F-box and leucine rich repeat protein 4; minus strand). Cytogenetic location: 6q16.1.
Variant type: single nucleotide variant.
Coding change: c.1723G>T on transcript NM_001278716.2 (MANE Select); coding-DNA position 1723, G replaced by T.
Protein change: p.Ala575Ser; replaces alanine 575 with serine.
Molecular consequence: missense variant. On other transcripts: non-coding transcript variant (1).
Genome position (GRCh38, 1-based): chr6:98,874,421, C>A on the plus strand (G>T on the coding strand, the complement: FBXL4 is on the minus strand). VCF-style: chr6-98874421-C-A. GRCh37 (hg19) VCF-style: chr6-99322297-C-A.
Other names: c.1723G>T, p.Ala575Ser (NM_012160.5); short protein forms A575S.
Identifiers: ClinVar variation 437802 (VCV000437802.9), dbSNP rs200435702, ClinGen allele CA3933355.